The following is an entry in ClinVar:

ClinVar aggregate classification (germline): Likely benign (1 of 4 stars; one submission).

gnomAD v4.1: 10 of 1,614,004 alleles (0.00062%); highest among the groups gnomAD compares: Non-Finnish European, 0.00085%; no homozygotes.

Submission:

CeGaT Center for Human Genetics Tuebingen
Classification: Likely benign. Last evaluated: 2022-09-01. Review status: criteria provided, single submitter. Criteria: CeGaT Center For Human Genetics Tuebingen Variant Classification Criteria Version 2. Collection method: clinical testing. Allele origin: germline. Affected: yes. Observed: 1 variant allele.
Comment: ATP1A3: BP4, BP7

NM_152296.5(ATP1A3):c.1503C>G (p.Pro501=)

Gene: ATP1A3 (ATPase Na+/K+ transporting subunit alpha 3; minus strand). Cytogenetic location: 19q13.2.
Variant type: single nucleotide variant.
Coding change: c.1503C>G on transcript NM_152296.5 (MANE Select); coding-DNA position 1503, C replaced by G.
Protein change: p.Pro501=; no amino-acid change (proline 501 retained).
Molecular consequence: synonymous variant.
Genome position (GRCh38, 1-based): chr19:41,978,733, G>C on the plus strand (C>G on the coding strand, the complement: ATP1A3 is on the minus strand). VCF-style: chr19-41978733-G-C. GRCh37 (hg19) VCF-style: chr19-42482885-G-C.
Other names: c.1536C>G, p.Pro512= (NM_001256213.2); c.1542C>G, p.Pro514= (NM_001256214.2).
Identifiers: ClinVar variation 2649933 (VCV002649933.24), dbSNP rs143904999, ClinGen allele CA9467617.